The following is an entry in ClinVar:

ClinVar aggregate classification (germline): Likely benign (0 of 4 stars; one submission).

Conditions:
PRR12-related disorder. Also called: PRR12-related condition.

Allele frequency attached by ClinVar (database versions not stated): TOPMed 0.00007.
gnomAD v4.1: 117 of 1,028,760 alleles (0.011%); highest among the groups gnomAD compares: East Asian, 0.034%; no homozygotes.

Submission:

PreventionGenetics, part of Exact Sciences
Classification: Likely benign for PRR12-related condition. Last evaluated: 2022-06-21. Review status: no assertion criteria provided. Collection method: clinical testing. Allele origin: germline.
Comment: This variant is classified as likely benign based on ACMG/AMP sequence variant interpretation guidelines (Richards et al. 2015 PMID: 25741868, with internal and published modifications).

NM_020719.3(PRR12):c.1110C>T (p.Gly370=)

Gene: PRR12 (proline rich 12; plus strand). Cytogenetic location: 19q13.33.
Variant type: single nucleotide variant.
Coding change: c.1110C>T on transcript NM_020719.3 (MANE Select); coding-DNA position 1110, C replaced by T.
Protein change: p.Gly370=; no amino-acid change (glycine 370 retained).
Molecular consequence: synonymous variant.
Genome position (GRCh38, 1-based): chr19:49,595,445, C>T. VCF-style: chr19-49595445-C-T. GRCh37 (hg19) VCF-style: chr19-50098702-C-T.
Identifiers: ClinVar variation 3040359 (VCV003040359.2), dbSNP rs764691824, ClinGen allele CA9577789.